The following is an entry in ClinVar:

NM_002226.5(JAG2):c.900C>T (p.Gly300=)

Gene: JAG2 (jagged canonical Notch ligand 2; minus strand). Cytogenetic location: 14q32.33.
Variant type: single nucleotide variant.
Coding change: c.900C>T on transcript NM_002226.5 (MANE Select); coding-DNA position 900, C replaced by T.
Protein change: p.Gly300=; no amino-acid change (glycine 300 retained).
Molecular consequence: synonymous variant.
Genome position (GRCh38, 1-based): chr14:105,152,180, G>A on the plus strand (C>T on the coding strand, the complement: JAG2 is on the minus strand). VCF-style: chr14-105152180-G-A. GRCh37 (hg19) VCF-style: chr14-105618517-G-A.
Other names: c.900C>T, p.Gly300= (NM_145159.3).
Identifiers: ClinVar variation 3038973 (VCV003038973.2), dbSNP rs138120492, ClinGen allele CA7386278.

ClinVar aggregate classification (germline): Likely benign (0 of 4 stars; one submission).

Conditions:
JAG2-related disorder. Also called: JAG2-related condition.

Allele frequency attached by ClinVar (database versions not stated): gnomAD exomes 0.00006; 1000 Genomes Project 0.00020; ExAC 0.00022; 1000 Genomes Project 30x 0.00031; gnomAD 0.00034; TOPMed 0.00041; ESP Exome Variant Server 0.00054.
gnomAD v4.1: 151 of 1,613,744 alleles (0.0094%); highest among the groups gnomAD compares: African/African-American, 0.14%; 1 homozygote.

Submission:

PreventionGenetics, part of Exact Sciences
Classification: Likely benign for JAG2-related condition. Last evaluated: 2023-03-25. Review status: no assertion criteria provided. Collection method: clinical testing. Allele origin: germline.
Comment: This variant is classified as likely benign based on ACMG/AMP sequence variant interpretation guidelines (Richards et al. 2015 PMID: 25741868, with internal and published modifications).